The following is an entry in ClinVar:

ClinVar aggregate classification (germline): Uncertain significance (1 of 4 stars; one submission).

Conditions:
Familial cancer of breast. Also called: hereditary breast carcinoma; Hereditary breast cancer; BREAST CANCER, FAMILIAL. Identifiers: Orphanet 227535, MedGen C0346153, MONDO:0016419, OMIM 114480. Disease mechanism: loss of function.

Submission:

Labcorp Genetics (formerly Invitae), Labcorp
Classification: Uncertain significance for Familial cancer of breast. Last evaluated: 2018-08-09. Review status: criteria provided, single submitter. Criteria: Invitae Variant Classification Sherloc (09022015). Collection method: clinical testing. Allele origin: germline.
Comment: This sequence change replaces aspartic acid with valine at codon 208 of the CHEK2 protein (p.Asp208Val). The aspartic acid residue is highly conserved and there is a large physicochemical difference between aspartic acid and valine. This variant is not present in population databases (ExAC no frequency). This variant has not been reported in the literature in individuals with CHEK2-related disease. Algorithms developed to predict the effect of missense changes on protein structure and function are either unavailable or do not agree on the potential impact of this missense change (SIFT: "Deleterious"; PolyPhen-2: "Probably Damaging"; Align-GVGD: "Class C15"). In summary, the available evidence is currently insufficient to determine the role of this variant in disease. Therefore, it has been classified as a Variant of Uncertain Significance.

NM_007194.4(CHEK2):c.623A>T (p.Asp208Val)

Gene: CHEK2 (checkpoint kinase 2; minus strand). Cytogenetic location: 22q12.1.
Variant type: single nucleotide variant.
Coding change: c.623A>T on transcript NM_007194.4 (MANE Select); coding-DNA position 623, A replaced by T.
Protein change: p.Asp208Val; replaces aspartic acid 208 with valine.
Molecular consequence: missense variant. On other transcripts: 5 prime UTR variant (2), intron variant (1).
Genome position (GRCh38, 1-based): chr22:28,719,455, T>A on the plus strand (A>T on the coding strand, the complement: CHEK2 is on the minus strand). VCF-style: chr22-28719455-T-A. GRCh37 (hg19) VCF-style: chr22-29115443-T-A.
Other names: c.752A>T, p.Asp251Val (NM_001005735.3, NM_001438294.1); c.-41A>T (NM_001257387.3, NM_001437942.1); c.716A>T, p.Asp239Val (NM_001438293.1, NM_001438295.1); c.623A>T, p.Asp208Val (NM_145862.3); c.482+5431A>T (NM_001349956.3); short protein forms D208V, D251V, D239V.
Identifiers: ClinVar variation 645156 (VCV000645156.9), dbSNP rs1601805877, ClinGen allele CA411105081.